The following is an entry in ClinVar:

NM_003906.5(MCM3AP):c.3192T>C (p.Pro1064=)

Gene: MCM3AP (minichromosome maintenance complex component 3 associated protein; minus strand). Cytogenetic location: 21q22.3.
Variant type: single nucleotide variant.
Coding change: c.3192T>C on transcript NM_003906.5 (MANE Select); coding-DNA position 3192, T replaced by C.
Protein change: p.Pro1064=; no amino-acid change (proline 1064 retained).
Molecular consequence: synonymous variant.
Genome position (GRCh38, 1-based): chr21:46,265,363, A>G on the plus strand (T>C on the coding strand, the complement: MCM3AP is on the minus strand). VCF-style: chr21-46265363-A-G. GRCh37 (hg19) VCF-style: chr21-47685277-A-G.
Other names: p.Pro1064=; c.3192T>C (NM_003906.4).
Identifiers: ClinVar variation 1609763 (VCV001609763.10), dbSNP rs574542822, ClinGen allele CA10076599.

ClinVar aggregate classification (germline): Likely benign. Review status: criteria provided, multiple submitters, no conflicts (2 of 4 stars). 3 submissions from 3 submitters: Likely benign (3). Last evaluated 2026-08-26.

Conditions:
MCM3AP-related disorder. Also called: MCM3AP-related condition.

Allele frequency attached by ClinVar (database versions not stated): ExAC 0.00001; gnomAD exomes 0.00001; gnomAD 0.00006; TOPMed 0.00009; 1000 Genomes Project 30x 0.00016; 1000 Genomes Project 0.00020.

Submissions (3):

PreventionGenetics, part of Exact Sciences
Classification: Likely benign for MCM3AP-related condition. Last evaluated: 2026-08-26. Review status: criteria provided, single submitter. Criteria: ACMG Guidelines, 2015. Collection method: clinical testing. Allele origin: germline.
Comment: This variant is classified as likely benign based on ACMG/AMP sequence variant interpretation guidelines (Richards et al. 2015 PMID: 25741868, with internal and published modifications).

Labcorp Genetics (formerly Invitae), Labcorp
Classification: Likely benign. Last evaluated: 2025-10-22. Review status: criteria provided, single submitter. Criteria: Invitae Variant Classification Sherloc (09022015). Collection method: clinical testing. Allele origin: germline.

Mayo Clinic Laboratories, Mayo Clinic
Classification: Likely benign. Last evaluated: 2025-05-07. Review status: criteria provided, single submitter. Criteria: ACMG Guidelines, 2015. Collection method: clinical testing. Allele origin: germline. Observed: 1 variant allele.
Comment: BP4, BP7